The following is an entry in ClinVar:

NM_000264.5(PTCH1):c.1567A>G (p.Ser523Gly)

Gene: PTCH1 (patched 1; minus strand). Cytogenetic location: 9q22.32.
Variant type: single nucleotide variant.
Coding change: c.1567A>G on transcript NM_000264.5 (MANE Select); coding-DNA position 1567, A replaced by G.
Protein change: p.Ser523Gly; replaces serine 523 with glycine.
Molecular consequence: missense variant. On other transcripts: non-coding transcript variant (1).
Genome position (GRCh38, 1-based): chr9:95,476,794, T>C on the plus strand (A>G on the coding strand, the complement: PTCH1 is on the minus strand). VCF-style: chr9-95476794-T-C. GRCh37 (hg19) VCF-style: chr9-98239076-T-C.
Other names: c.1567A>G (NM_000264.3); c.1369A>G, p.Ser457Gly (NM_001083602.3); c.1564A>G, p.Ser522Gly (NM_001083603.3); c.1114A>G, p.Ser372Gly (NM_001083604.3, NM_001083605.3, NM_001083606.3 and 1 more transcripts); c.1411A>G, p.Ser471Gly (NM_001354918.2); short protein forms S471G, S372G, S523G, S457G, S522G.
Identifiers: ClinVar variation 1429336 (VCV001429336.5), dbSNP rs2118281828, ClinGen allele CA374118225.

ClinVar aggregate classification (germline): Uncertain significance. Review status: criteria provided, multiple submitters, no conflicts (2 of 4 stars). 2 submissions from 2 submitters: Uncertain significance (2). Last evaluated 2025-10-19.

Conditions:
Hereditary cancer-predisposing syndrome. Also called: Hereditary neoplastic syndrome; Tumor predisposition; Hereditary Cancer Syndrome; Neoplastic Syndromes, Hereditary. Identifiers: Orphanet 140162, MedGen C0027672, MeSH D009386, MONDO:0015356.
Gorlin syndrome. Also called: Nevoid Basal Cell Carcinoma Syndrome; Basal cell nevus syndrome. Identifiers: Orphanet 377, MedGen C0004779, MONDO:0007187.

Submissions (2):

Labcorp Genetics (formerly Invitae), Labcorp
Classification: Uncertain significance for Gorlin syndrome. Last evaluated: 2025-10-19. Review status: criteria provided, single submitter. Criteria: Invitae Variant Classification Sherloc (09022015). Collection method: clinical testing. Allele origin: germline.
Comment: This sequence change replaces serine, which is neutral and polar, with glycine, which is neutral and non-polar, at codon 523 of the PTCH1 protein (p.Ser523Gly). This variant is not present in population databases (gnomAD no frequency). This variant has not been reported in the literature in individuals affected with PTCH1-related conditions. ClinVar contains an entry for this variant (Variation ID: 1429336). Invitae Evidence Modeling of protein sequence and biophysical properties (such as structural, functional, and spatial information, amino acid conservation, physicochemical variation, residue mobility, and thermodynamic stability) indicates that this missense variant is not expected to disrupt PTCH1 protein function with a negative predictive value of 95%. In summary, the available evidence is currently insufficient to determine the role of this variant in disease. Therefore, it has been classified as a Variant of Uncertain Significance.

Ambry Genetics
Classification: Uncertain significance for Hereditary cancer-predisposing syndrome. Last evaluated: 2023-03-12. Review status: criteria provided, single submitter. Criteria: Ambry Variant Classification Scheme 2023. Collection method: clinical testing. Allele origin: germline.
Comment: The p.S523G variant (also known as c.1567A>G), located in coding exon 11 of the PTCH1 gene, results from an A to G substitution at nucleotide position 1567. The serine at codon 523 is replaced by glycine, an amino acid with similar properties. This amino acid position is conserved. In addition, the in silico prediction for this alteration is inconclusive. Since supporting evidence is limited at this time, the clinical significance of this alteration remains unclear.